The following is an entry in ClinVar:

NM_004004.6(GJB2):c.78C>T (p.Thr26=)

Gene: GJB2 (gap junction protein beta 2; minus strand). Cytogenetic location: 13q12.11.
Variant type: single nucleotide variant.
Coding change: c.78C>T on transcript NM_004004.6 (MANE Select); coding-DNA position 78, C replaced by T.
Protein change: p.Thr26=; no amino-acid change (threonine 26 retained).
Molecular consequence: synonymous variant.
Genome position (GRCh38, 1-based): chr13:20,189,504, G>A on the plus strand (C>T on the coding strand, the complement: GJB2 is on the minus strand). VCF-style: chr13-20189504-G-A. GRCh37 (hg19) VCF-style: chr13-20763643-G-A.
Identifiers: ClinVar variation 227385 (VCV000227385.26), dbSNP rs201848820, ClinGen allele CA6904324.

ClinVar aggregate classification (germline): Likely benign. Review status: criteria provided, multiple submitters, no conflicts (2 of 4 stars). 6 submissions from 6 submitters: Likely benign (6). Last evaluated 2026-06-01.

Allele frequency attached by ClinVar (database versions not stated): gnomAD 0.00003 and 0.00004; gnomAD exomes 0.00007 and 0.00018; TOPMed 0.00009; ExAC 0.00012.
gnomAD v4.1: 118 of 1,613,990 alleles (0.0073%); highest among the groups gnomAD compares: Admixed American, 0.037%; no homozygotes.

Submissions (6):

CeGaT Center for Human Genetics Tuebingen
Classification: Likely benign. Last evaluated: 2026-06-01. Review status: criteria provided, single submitter. Criteria: CeGaT Center For Human Genetics Tuebingen Variant Classification Criteria Version 2. Collection method: clinical testing. Allele origin: germline. Affected: yes. Observed: 1 variant allele.
Comment: GJB2: BP4, BP7

Labcorp Genetics (formerly Invitae), Labcorp
Classification: Likely benign. Last evaluated: 2026-01-28. Review status: criteria provided, single submitter. Criteria: Invitae Variant Classification Sherloc (09022015). Collection method: clinical testing. Allele origin: germline.

Blueprint Genetics
Classification: Likely benign. Last evaluated: 2024-11-26. Review status: criteria provided, single submitter. Criteria: ACMG Guidelines, 2015. Collection method: clinical testing. Allele origin: germline.

ARUP Laboratories, Molecular Genetics and Genomics, ARUP Laboratories
Classification: Likely benign. Last evaluated: 2018-11-06. Review status: criteria provided, single submitter. Criteria: ARUP Molecular Germline Variant Investigation Process. Collection method: clinical testing. Allele origin: germline.

Women's Health and Genetics/Laboratory Corporation of America, LabCorp
Classification: Likely benign. Last evaluated: 2017-10-18. Review status: criteria provided, single submitter. Criteria: LabCorp Variant Classification Summary - May 2015. Collection method: clinical testing. Allele origin: germline.
Comment: Variant summary: The GJB2 c.78C>T (p.Thr26Thr) variant involves the alteration of a non-conserved nucleotide, resulting in a synonymous change. One in silico tool predicts a damaging outcome for this variant. 5/5 splice prediction tools predict no significant impact on normal splicing. ESE finder predicts that this variant may affect ESE sites. However, these predictions have yet to be confirmed by functional studies. This variant was found in 44/282948 control chromosomes, predominantly observed in the Ashkenazi Jewish subpopulation at a frequency of 0.00197 (20/10150). This frequency is about 6 times the estimated maximal expected allele frequency of a pathogenic GJB2 variant (0.0003376), suggesting this is likely a benign polymorphism found primarily in the populations of Ashkenazi Jewish origin. This variant has been reported heterozygously in multiple affected individuals without strong evidence for causality. In addition, one other clinical diagnostic laboratory classified this variant as likely benign. Taken together, this variant is classified as likely benign.

Laboratory for Molecular Medicine, Mass General Brigham Personalized Medicine
Classification: Likely benign. Last evaluated: 2015-08-06. Review status: criteria provided, single submitter. Criteria: LMM Criteria. Collection method: clinical testing. Allele origin: germline. Observed: 1 variant allele.
Comment: p.Thr26Thr in exon 2 of GJB2: This variant is not expected to have clinical sign ificance because it does not alter an amino acid residue and is not located with in the splice consensus sequence. It has been identified in 12/66708 African chr omosomes and 3/11578 Latino chromosomes by the Exome Aggregation Consortium (ExA C; dbSNP rs201848820).

Literature cited by the submitters: PubMed 14722929 (cited by Women's Health and Genetics/Laboratory Corporation of America, LabCorp and Laboratory for Molecular Medicine, Mass General Brigham Personalized Medicine); PubMed 12172394 (cited by Women's Health and Genetics/Laboratory Corporation of America, LabCorp); PubMed 25162826 (cited by Women's Health and Genetics/Laboratory Corporation of America, LabCorp and Laboratory for Molecular Medicine, Mass General Brigham Personalized Medicine); PubMed 21392827 (cited by Women's Health and Genetics/Laboratory Corporation of America, LabCorp); PubMed 15070423 (cited by Women's Health and Genetics/Laboratory Corporation of America, LabCorp).